The following is an entry in ClinVar:

ClinVar aggregate classification (germline): Uncertain significance (1 of 4 stars; one submission).

Allele frequency attached by ClinVar (database versions not stated): gnomAD 0.00004; TOPMed 0.00005; ExAC 0.00006; gnomAD exomes 0.00010.
gnomAD v4.1: 153 of 1,613,866 alleles (0.0095%); highest among the groups gnomAD compares: Non-Finnish European, 0.012%; no homozygotes.

Submission:

Labcorp Genetics (formerly Invitae), Labcorp
Classification: Uncertain significance. Last evaluated: 2025-09-01. Review status: criteria provided, single submitter. Criteria: Invitae Variant Classification Sherloc (09022015). Collection method: clinical testing. Allele origin: germline.
Comment: This sequence change replaces serine, which is neutral and polar, with phenylalanine, which is neutral and non-polar, at codon 12 of the CREB3L3 protein (p.Ser12Phe). The frequency data for this variant in the population databases is considered unreliable, as metrics indicate poor data quality at this position in the gnomAD database. This variant has not been reported in the literature in individuals affected with CREB3L3-related conditions. ClinVar contains an entry for this variant (Variation ID: 2171862). An algorithm developed to predict the effect of missense changes on protein structure and function (PolyPhen-2) suggests that this variant is likely to be tolerated. In summary, the available evidence is currently insufficient to determine the role of this variant in disease. Therefore, it has been classified as a Variant of Uncertain Significance.

NM_032607.3(CREB3L3):c.35C>T (p.Ser12Phe)

Gene: CREB3L3 (cAMP responsive element binding protein 3 like 3; plus strand). Cytogenetic location: 19p13.3.
Variant type: single nucleotide variant.
Coding change: c.35C>T on transcript NM_032607.3 (MANE Select); coding-DNA position 35, C replaced by T.
Protein change: p.Ser12Phe; replaces serine 12 with phenylalanine.
Molecular consequence: missense variant.
Genome position (GRCh38, 1-based): chr19:4,154,906, C>T. VCF-style: chr19-4154906-C-T. GRCh37 (hg19) VCF-style: chr19-4154903-C-T.
Other names: c.35C>T, p.Ser12Phe (NM_001271995.2, NM_001271996.2, NM_001271997.2); short protein forms S12F.
Identifiers: ClinVar variation 2171862 (VCV002171862.4), dbSNP rs746337444, ClinGen allele CA9091178.